The following is an entry in ClinVar:

ClinVar aggregate classification (germline): Uncertain significance. Review status: criteria provided, multiple submitters, no conflicts (2 of 4 stars). 2 submissions from 2 submitters: Uncertain significance (2). Last evaluated 2025-05-01.

Conditions:
Pancreatic adenocarcinoma. Identifiers: MedGen C0281361, MONDO:0006047, HP:0006725.

Submissions (2):

Ambry Genetics
Classification: Uncertain significance. Last evaluated: 2025-05-01. Review status: criteria provided, single submitter. Criteria: Ambry Variant Classification Scheme 2023. Collection method: clinical testing. Allele origin: germline.
Comment: The p.R202P variant (also known as c.605G>C), located in coding exon 2 of the PALLD gene, results from a G to C substitution at nucleotide position 605. The arginine at codon 202 is replaced by proline, an amino acid with dissimilar properties. This amino acid position is conserved. In addition, this alteration is predicted to be deleterious by in silico analysis. Based on the available evidence, the clinical significance of this variant remains unclear.

Labcorp Genetics (formerly Invitae), Labcorp
Classification: Uncertain significance for Pancreatic adenocarcinoma. Last evaluated: 2022-08-13. Review status: criteria provided, single submitter. Criteria: Invitae Variant Classification Sherloc (09022015). Collection method: clinical testing. Allele origin: germline.
Comment: This sequence change replaces arginine, which is basic and polar, with proline, which is neutral and non-polar, at codon 202 of the PALLD protein (p.Arg202Pro). This variant is not present in population databases (gnomAD no frequency). This variant has not been reported in the literature in individuals affected with PALLD-related conditions. Algorithms developed to predict the effect of missense changes on protein structure and function are either unavailable or do not agree on the potential impact of this missense change (SIFT: "Deleterious"; PolyPhen-2: "Benign"; Align-GVGD: "Class C65"). In summary, the available evidence is currently insufficient to determine the role of this variant in disease. Therefore, it has been classified as a Variant of Uncertain Significance.

NM_001166108.2(PALLD):c.2066G>C (p.Arg689Pro)

Gene: PALLD (palladin, cytoskeletal associated protein; plus strand). Cytogenetic location: 4q32.3.
Variant type: single nucleotide variant.
Coding change: c.2066G>C on transcript NM_001166108.2 (MANE Select); coding-DNA position 2066, G replaced by C.
Protein change: p.Arg689Pro; replaces arginine 689 with proline.
Molecular consequence: missense variant. On other transcripts: 5 prime UTR variant (4).
Genome position (GRCh38, 1-based): chr4:168,891,023, G>C. VCF-style: chr4-168891023-G-C. GRCh37 (hg19) VCF-style: chr4-169812174-G-C.
Other names: c.920G>C, p.Arg307Pro (NM_001166109.2); c.605G>C, p.Arg202Pro (NM_001166110.2); c.-56G>C (NM_001367567.1, NM_001367568.1, NM_001367569.1 and 1 more transcripts); c.2066G>C, p.Arg689Pro (NM_016081.4); c.605G>C (NM_001166110.1); short protein forms R202P, R307P, R689P.
Identifiers: ClinVar variation 1716363 (VCV001716363.6), dbSNP rs758090588, ClinGen allele CA358797271.
Genomic context (GRCh38, chr4:168,891,023, plus strand): 5'-CCGATGAGGAAATTCAAGGCACAAAGGATGCTGTTATTCAAGACCTGGAACGAAAACTTC[G>C]CTTCAAGGAGGACCTCCTGAACAATGGCCAGCCGGTACTGATAGATTTGGGACCTGGACT-3'
Protein context (NP_001159580.1, residues 679-699): AVIQDLERKL[Arg689Pro]FKEDLLNNGQ